The following is an entry in ClinVar:

NM_002529.4(NTRK1):c.2236_2265dup (p.Leu746_Glu755dup)

Gene: NTRK1 (neurotrophic receptor tyrosine kinase 1; plus strand). Cytogenetic location: 1q23.1.
Variant type: Duplication.
Coding change: c.2236_2265dup on transcript NM_002529.4 (MANE Select); coding-DNA positions 2236 to 2265, 30 bases duplicated (TTGGAGCGGCCACGTGCCTGCCCACCAGAG).
Protein change: p.Leu746_Glu755dup.
Molecular consequence: inframe insertion.
Genome position (GRCh38, 1-based): chr1:156,881,487-156,881,516, TTGGAGCGGCCACGTGCCTGCCCACCAGAG duplicated; duplicating any 30 consecutive bases within chr1:156,881,484-156,881,516 gives the same sequence; the c. name uses the placement nearest the transcript's 3' end. VCF-style (leftmost placement, unchanged base first): chr1-156881483-T-TGAGTTGGAGCGGCCACGTGCCTGCCCACCA. GRCh37 (hg19) VCF-style: chr1-156851275-T-TGAGTTGGAGCGGCCACGTGCCTGCCCACCA.
Other names: c.2128_2157dup, p.Leu710_Glu719dup (NM_001007792.1); c.2218_2247dup, p.Leu740_Glu749dup (NM_001012331.2).
Identifiers: ClinVar variation 1465996 (VCV001465996.7), dbSNP rs1327580455, ClinGen allele CA889792087.

ClinVar aggregate classification (germline): Uncertain significance. Review status: criteria provided, multiple submitters, no conflicts (2 of 4 stars). 3 submissions from 3 submitters: Uncertain significance (3). Last evaluated 2023-04-11.

Conditions:
Inborn genetic diseases. Identifiers: MedGen C0950123, MeSH D030342.
Hereditary insensitivity to pain with anhidrosis (CIPA). Also called: NTRK1 Congenital Insensitivity to Pain with Anhidrosis; hereditary sensory and autonomic neuropathy type 4; FAMILIAL DYSAUTONOMIA, TYPE II; INSENSITIVITY TO PAIN, CONGENITAL, WITH ANHIDROSIS; NEUROPATHY, CONGENITAL SENSORY, WITH ANHIDROSIS; HSAN Type IV. Identifiers: Orphanet 642, MedGen C0020074, MONDO:0009746, OMIM 256800.

Submissions (3):

Genome-Nilou Lab
Classification: Uncertain significance for Hereditary insensitivity to pain with anhidrosis. Last evaluated: 2023-04-11. Review status: criteria provided, single submitter. Criteria: ACMG Guidelines, 2015. Collection method: clinical testing. Allele origin: germline. Affected: no.

Ambry Genetics
Classification: Uncertain significance for Inborn genetic diseases. Last evaluated: 2021-09-01. Review status: criteria provided, single submitter. Criteria: Ambry Variant Classification Scheme 2023. Collection method: clinical testing. Allele origin: germline.
Comment: The c.2218_2247dup30 variant (also known as p.L740_E749dup), located in coding exon 16 of the NTRK1 gene, results from an in-frame duplication of 30 nucleotides at nucleotide positions 2218 to 2247. This results in the duplication of 10 extra residues (LERPRACPPE) between codons 740 and 749. This amino acid region is not well conserved in available vertebrate species. Since supporting evidence is limited at this time, the clinical significance of this alteration remains unclear.

Labcorp Genetics (formerly Invitae), Labcorp
Classification: Uncertain significance for Hereditary insensitivity to pain with anhidrosis. Last evaluated: 2021-09-01. Review status: criteria provided, single submitter. Criteria: Invitae Variant Classification Sherloc (09022015). Collection method: clinical testing. Allele origin: germline.
Comment: This variant, c.2218_2247dup, results in the insertion of 10 amino acid(s) to the NTRK1 protein (p.Leu740_Glu749dup), but otherwise preserves the integrity of the reading frame. This variant is not present in population databases (ExAC no frequency). This variant has not been reported in the literature in individuals affected with NTRK1-related conditions. Algorithms developed to predict the effect of sequence changes on RNA splicing suggest that this variant may create or strengthen a splice site. In summary, the available evidence is currently insufficient to determine the role of this variant in disease. Therefore, it has been classified as a Variant of Uncertain Significance.